The following is an entry in ClinVar:

NM_001348323.3(TRIP12):c.1958C>A (p.Pro653Gln)

Gene: TRIP12 (thyroid hormone receptor interactor 12; minus strand). Cytogenetic location: 2q36.3.
Variant type: single nucleotide variant.
Coding change: c.1958C>A on transcript NM_001348323.3 (MANE Select); coding-DNA position 1958, C replaced by A.
Protein change: p.Pro653Gln; replaces proline 653 with glutamine.
Molecular consequence: missense variant.
Genome position (GRCh38, 1-based): chr2:229,813,898, G>T on the plus strand (C>A on the coding strand, the complement: TRIP12 is on the minus strand). VCF-style: chr2-229813898-G-T. GRCh37 (hg19) VCF-style: chr2-230678614-G-T.
Other names: c.1958C>A, p.Pro653Gln (NM_001284214.2, NM_001348315.2, NM_001348319.1 and 11 more transcripts); c.1832C>A, p.Pro611Gln (NM_001284215.2, NM_001348316.2, NM_001348317.1 and 2 more transcripts); c.923C>A, p.Pro308Gln (NM_001284216.2); c.1871C>A, p.Pro624Gln (NM_001348332.1); c.1814C>A, p.Pro605Gln (NM_004238.3); short protein forms P308Q, P605Q, P611Q, P624Q, P653Q.
Identifiers: ClinVar variation 2581659 (VCV002581659.1), dbSNP rs779010108, ClinGen allele CA350921117.
Genomic context (GRCh38, chr2:229,813,898, plus strand): 5'-TTTATGGCACATAAAATAGATGCATATTTTACCTGATGTGTTAGCCTTTGGGTTAGCAAT[G>T]GGAGTGAATCTGCCACAAAATGAAATTCATCTGGCGTGATACTCTGGCAGCAATTAGCTG-3'
Protein context (NP_001335252.1, residues 643-663): DEFHFVADSL[Pro653Gln]LLTQRLTHQD

ClinVar aggregate classification (germline): Uncertain significance (1 of 4 stars; one submission).

Allele frequency attached by ClinVar (database versions not stated): TOPMed below 0.00001; gnomAD 0.00001.
gnomAD v4.1: 2 of 1,572,552 alleles (0.00013%); highest among the groups gnomAD compares: Non-Finnish European, 0.000087%; no homozygotes.

Submission:

Women's Health and Genetics/Laboratory Corporation of America, LabCorp
Classification: Uncertain significance. Last evaluated: 2023-08-11. Review status: criteria provided, single submitter. Criteria: LabCorp Variant Classification Summary - May 2015. Collection method: clinical testing. Allele origin: germline.
Comment: Variant summary: TRIP12 c.1958C>A (p.Pro653Gln) results in a non-conservative amino acid change in the encoded protein sequence. Four of five in-silico tools predict a damaging effect of the variant on protein function. The variant was absent in 251256 control chromosomes (gnomAD). The available data on variant occurrences in the general population are insufficient to allow any conclusion about variant significance. To our knowledge, no occurrence of c.1958C>A in individuals affected with Clark-Baraitser Syndrome and no experimental evidence demonstrating its impact on protein function have been reported. No submitters have cited clinical-significance assessments for this variant to ClinVar after 2014. Based on the evidence outlined above, the variant was classified as uncertain significance.